The following is an entry in ClinVar:

ClinVar aggregate classification (germline): Uncertain significance (1 of 4 stars; one submission).

gnomAD v4.1: 7 of 1,613,184 alleles (0.00043%); highest among the groups gnomAD compares: African/African-American, 0.0013%; no homozygotes.

Submission:

Labcorp Genetics (formerly Invitae), Labcorp
Classification: Uncertain significance. Last evaluated: 2022-10-19. Review status: criteria provided, single submitter. Criteria: Invitae Variant Classification Sherloc (09022015). Collection method: clinical testing. Allele origin: germline.
Comment: Advanced modeling of protein sequence and biophysical properties (such as structural, functional, and spatial information, amino acid conservation, physicochemical variation, residue mobility, and thermodynamic stability) performed at Invitae indicates that this missense variant is not expected to disrupt NFE2L2 protein function. This sequence change replaces valine, which is neutral and non-polar, with phenylalanine, which is neutral and non-polar, at codon 213 of the NFE2L2 protein (p.Val213Phe). This variant is present in population databases (rs369394957, gnomAD 0.002%). This variant has not been reported in the literature in individuals affected with NFE2L2-related conditions. In summary, the available evidence is currently insufficient to determine the role of this variant in disease. Therefore, it has been classified as a Variant of Uncertain Significance.

NM_006164.5(NFE2L2):c.637G>T (p.Val213Phe)

Gene: NFE2L2 (NFE2 like bZIP transcription factor 2; minus strand). Cytogenetic location: 2q31.2.
Variant type: single nucleotide variant.
Coding change: c.637G>T on transcript NM_006164.5 (MANE Select); coding-DNA position 637, G replaced by T.
Protein change: p.Val213Phe; replaces valine 213 with phenylalanine.
Molecular consequence: missense variant.
Genome position (GRCh38, 1-based): chr2:177,231,966, C>A on the plus strand (G>T on the coding strand, the complement: NFE2L2 is on the minus strand). VCF-style: chr2-177231966-C-A. GRCh37 (hg19) VCF-style: chr2-178096694-C-A.
Other names: c.589G>T, p.Val197Phe (NM_001145412.3, NM_001313900.1, NM_001313901.1); c.568G>T, p.Val190Phe (NM_001145413.3); c.547G>T, p.Val183Phe (NM_001313902.2); c.418G>T, p.Val140Phe (NM_001313903.2); c.337G>T, p.Val113Phe (NM_001313904.1); short protein forms V197F, V140F, V183F, V113F, V190F, V213F.
Identifiers: ClinVar variation 1954603 (VCV001954603.5), dbSNP rs369394957, ClinGen allele CA1979820.